The following is an entry in ClinVar:

ClinVar aggregate classification (germline): Uncertain significance (1 of 4 stars; one submission).

Conditions:
Cardiovascular phenotype. Identifiers: MedGen CN230736.

Allele frequency attached by ClinVar (database versions not stated): gnomAD exomes below 0.00001; ExAC 0.00001; TOPMed 0.00001.
gnomAD v4.1: 4 of 1,587,898 alleles (0.00025%); highest among the groups gnomAD compares: Non-Finnish European, 0.000086%; no homozygotes.

Submission:

Ambry Genetics
Classification: Uncertain significance for Cardiovascular phenotype. Last evaluated: 2023-11-13. Review status: criteria provided, single submitter. Criteria: Ambry Variant Classification Scheme 2023. Collection method: clinical testing. Allele origin: germline.
Comment: The p.Y776C variant (also known as c.2327A>G), located in coding exon 29 of the CACNA2D1 gene, results from an A to G substitution at nucleotide position 2327. The tyrosine at codon 776 is replaced by cysteine, an amino acid with highly dissimilar properties. This amino acid position is conserved. In addition, this alteration is predicted to be tolerated by in silico analysis. Since supporting evidence is limited at this time, the clinical significance of this alteration remains unclear.

NM_000722.4(CACNA2D1):c.2327A>G (p.Tyr776Cys)

Gene: CACNA2D1 (calcium voltage-gated channel auxiliary subunit alpha2delta 1; minus strand). Cytogenetic location: 7q21.11.
Variant type: single nucleotide variant.
Coding change: c.2327A>G on transcript NM_000722.4 (MANE Select); coding-DNA position 2327, A replaced by G.
Protein change: p.Tyr776Cys; replaces tyrosine 776 with cysteine.
Molecular consequence: missense variant.
Genome position (GRCh38, 1-based): chr7:81,968,955, T>C on the plus strand (A>G on the coding strand, the complement: CACNA2D1 is on the minus strand). VCF-style: chr7-81968955-T-C. GRCh37 (hg19) VCF-style: chr7-81598271-T-C.
Other names: c.2363A>G, p.Tyr788Cys (NM_001366867.1); short protein forms Y776C, Y788C.
Identifiers: ClinVar variation 3232261 (VCV003232261.1), dbSNP rs746924720, ClinGen allele CA4317647.
Genomic context (GRCh38, chr7:81,968,955, plus strand): 5'-TTAAGAAGTTTCCCTTGAATATATATTTCTACAGCTTTGCTTACCATAATGCCCGATTCA[T>C]AGGCACCAGGTCCACTTTCTAAAAAAAAAATAAATAAATAAAACACCTATCAAGATATAT-3'
Protein context (NP_000713.2, residues 766-786): PYFNKSGPGA[Tyr776Cys]ESGIMVSKAV